The following is an entry in ClinVar:

NM_001128228.3(TPRN):c.609C>T (p.Asn203=)

Gene: TPRN (taperin; minus strand). Cytogenetic location: 9q34.3.
Variant type: single nucleotide variant.
Coding change: c.609C>T on transcript NM_001128228.3 (MANE Select); coding-DNA position 609, C replaced by T.
Protein change: p.Asn203=; no amino-acid change (asparagine 203 retained).
Molecular consequence: synonymous variant.
Genome position (GRCh38, 1-based): chr9:137,200,103, G>A on the plus strand (C>T on the coding strand, the complement: TPRN is on the minus strand). VCF-style: chr9-137200103-G-A. GRCh37 (hg19) VCF-style: chr9-140094555-G-A.
Identifiers: ClinVar variation 508147 (VCV000508147.19), dbSNP rs546101231, ClinGen allele CA5362888.

ClinVar aggregate classification (germline): Benign/Likely benign. Review status: criteria provided, multiple submitters, no conflicts (2 of 4 stars). 5 submissions from 5 submitters: Benign (4); Likely benign (1). Last evaluated 2026-08-01.

Allele frequency attached by ClinVar (database versions not stated): TOPMed 0.00289; gnomAD 0.00320 and 0.00359; 1000 Genomes Project 0.00339; 1000 Genomes Project 30x 0.00422; gnomAD exomes 0.00460 and 0.00710; ExAC 0.02336.
gnomAD v4.1: 5,889 of 1,310,572 alleles (0.45%); highest among the groups gnomAD compares: South Asian, 1.2%; 12 homozygotes.

Submissions (5):

CeGaT Center for Human Genetics Tuebingen
Classification: Benign. Last evaluated: 2026-08-01. Review status: criteria provided, single submitter. Criteria: CeGaT Center For Human Genetics Tuebingen Variant Classification Criteria Version 2. Collection method: clinical testing. Allele origin: germline. Affected: yes. Observed: 3 variant alleles.
Comment: TPRN: BP4, BP7, BS1, BS2

Labcorp Genetics (formerly Invitae), Labcorp
Classification: Benign. Last evaluated: 2026-02-01. Review status: criteria provided, single submitter. Criteria: Invitae Variant Classification Sherloc (09022015). Collection method: clinical testing. Allele origin: germline.

Blueprint Genetics
Classification: Likely benign. Last evaluated: 2024-11-26. Review status: criteria provided, single submitter. Criteria: ACMG Guidelines, 2015. Collection method: clinical testing. Allele origin: germline.

GeneDx
Classification: Benign. Last evaluated: 2019-04-15. Review status: criteria provided, single submitter. Criteria: GeneDx Variant Classification Process June 2021. Collection method: clinical testing. Allele origin: germline. Affected: yes.

Breakthrough Genomics
Classification: Benign. Review status: criteria provided, single submitter. Criteria: ACMG Guidelines, 2015. Collection method: not provided. Allele origin: germline. Inheritance: Autosomal recessive inheritance. Affected: yes.